The following is an entry in ClinVar:

NM_000310.4(PPT1):c.326A>G (p.Tyr109Cys)

Gene: PPT1 (palmitoyl-protein thioesterase 1; minus strand). Cytogenetic location: 1p34.2.
Variant type: single nucleotide variant.
Coding change: c.326A>G on transcript NM_000310.4 (MANE Select); coding-DNA position 326, A replaced by G.
Protein change: p.Tyr109Cys; replaces tyrosine 109 with cysteine.
Molecular consequence: missense variant. On other transcripts: intron variant (1).
Genome position (GRCh38, 1-based): chr1:40,092,081, T>C on the plus strand (A>G on the coding strand, the complement: PPT1 is on the minus strand). VCF-style: chr1-40092081-T-C. GRCh37 (hg19) VCF-style: chr1-40557753-T-C.
Other names: c.326A>G, p.Tyr109Cys (NM_001363695.2); c.125-2569A>G (NM_001142604.2); short protein forms Y109C.
Identifiers: ClinVar variation 1969122 (VCV001969122.6), dbSNP rs1228395356, ClinGen allele CA339849041.
Genomic context (GRCh38, chr1:40,092,081, plus strand): 5'-ACAATATAACAAAAAGGAACGTACAGAAATTGGCCTCCCTGGGAGAATCCCATAGCATTG[T>C]AGCCTTGCTGCAATTTAGGATCCTTAGCAAGTGCCTGACACACTGTTGTTACTTGGGAAT-3'
Protein context (NP_000301.1, residues 99-119): LAKDPKLQQG[Tyr109Cys]NAMGFSQGGQ

ClinVar aggregate classification (germline): Likely pathogenic. Review status: criteria provided, multiple submitters, no conflicts (2 of 4 stars). 2 submissions from 2 submitters: Likely pathogenic (2). Last evaluated 2024-01-31.

Conditions:
Neuronal ceroid lipofuscinosis 1 (CLN1). Also called: CEROID LIPOFUSCINOSIS, NEURONAL, 1, VARIABLE AGE AT ONSET; PPT1-Related Neuronal Ceroid-Lipofuscinosis. Identifiers: Orphanet 228329, MedGen C1850451, MONDO:0009744, OMIM 256730.

Allele frequency attached by ClinVar (database versions not stated): TOPMed below 0.00001.

Submissions (2):

Fulgent Genetics
Classification: Likely pathogenic for Neuronal ceroid lipofuscinosis 1. Last evaluated: 2024-01-31. Review status: criteria provided, single submitter. Criteria: ACMG Guidelines, 2015. Collection method: clinical testing. Allele origin: germline.

Labcorp Genetics (formerly Invitae), Labcorp
Classification: Likely pathogenic for Neuronal ceroid lipofuscinosis 1. Last evaluated: 2022-07-18. Review status: criteria provided, single submitter. Criteria: Invitae Variant Classification Sherloc (09022015). Collection method: clinical testing. Allele origin: germline.
Comment: This variant has not been reported in the literature in individuals affected with PPT1-related conditions. This sequence change replaces tyrosine, which is neutral and polar, with cysteine, which is neutral and slightly polar, at codon 109 of the PPT1 protein (p.Tyr109Cys). This variant is not present in population databases (gnomAD no frequency). Advanced modeling of protein sequence and biophysical properties (such as structural, functional, and spatial information, amino acid conservation, physicochemical variation, residue mobility, and thermodynamic stability) performed at Invitae indicates that this missense variant is expected to disrupt PPT1 protein function. This variant disrupts the p.Tyr109 amino acid residue in PPT1. Other variant(s) that disrupt this residue have been determined to be pathogenic (PMID: 9664077, 10191107, 11440996, 21990111). This suggests that this residue is clinically significant, and that variants that disrupt this residue are likely to be disease-causing. In summary, the currently available evidence indicates that the variant is pathogenic, but additional data are needed to prove that conclusively. Therefore, this variant has been classified as Likely Pathogenic.

Literature cited by the submitters: PubMed 9664077 (cited by Labcorp Genetics (formerly Invitae), Labcorp); PubMed 10191107 (cited by Labcorp Genetics (formerly Invitae), Labcorp); PubMed 11440996 (cited by Labcorp Genetics (formerly Invitae), Labcorp); PubMed 21990111 (cited by Labcorp Genetics (formerly Invitae), Labcorp).